The following is an entry in ClinVar:

ClinVar aggregate classification (germline): Conflicting classifications of pathogenicity. Review status: criteria provided, conflicting classifications (1 of 4 stars). 4 submissions from 4 submitters: Uncertain significance (2); Benign (1); Likely benign (1). Last evaluated 2026-02-01.

Conditions:
Neuroblastoma, susceptibility to, 3. Also called: ALK-Related Neuroblastic Tumor Susceptibility. Identifiers: Orphanet 635, MedGen C2751681, MONDO:0013083, OMIM 613014.
Hereditary cancer-predisposing syndrome. Also called: Neoplastic Syndromes, Hereditary; Hereditary Cancer Syndrome; Hereditary neoplastic syndrome; Tumor predisposition. Identifiers: Orphanet 140162, MedGen C0027672, MeSH D009386, MONDO:0015356.

Allele frequency attached by ClinVar (database versions not stated): gnomAD 0.00002 and 0.00003; TOPMed 0.00002; gnomAD exomes 0.00004 and 0.00008; ExAC 0.00008; ESP Exome Variant Server 0.00008.
gnomAD v4.1: 72 of 1,613,964 alleles (0.0045%); highest among the groups gnomAD compares: Middle Eastern, 0.049%; no homozygotes.

Submissions (4):

Labcorp Genetics (formerly Invitae), Labcorp
Classification: Uncertain significance for Neuroblastoma, susceptibility to, 3. Last evaluated: 2026-02-01. Review status: criteria provided, single submitter. Criteria: Invitae Variant Classification Sherloc (09022015). Collection method: clinical testing. Allele origin: germline.
Comment: This sequence change replaces leucine, which is neutral and non-polar, with proline, which is neutral and non-polar, at codon 1404 of the ALK protein (p.Leu1404Pro). This variant is present in population databases (rs377129811, gnomAD 0.05%), and has an allele count higher than expected for a pathogenic variant. This missense change has been observed in individual(s) with breast cancer (PMID: 28202063). ClinVar contains an entry for this variant (Variation ID: 645717). An algorithm developed to predict the effect of missense changes on protein structure and function outputs the following: PolyPhen-2: "Benign". The proline amino acid residue is found in multiple mammalian species, which suggests that this missense change does not adversely affect protein function. In summary, the available evidence is currently insufficient to determine the role of this variant in disease. Therefore, it has been classified as a Variant of Uncertain Significance.

Ambry Genetics
Classification: Benign for Hereditary cancer-predisposing syndrome. Last evaluated: 2024-08-20. Review status: criteria provided, single submitter. Criteria: Ambry Variant Classification Scheme 2023. Collection method: clinical testing. Allele origin: germline.

Fulgent Genetics
Classification: Uncertain significance for Neuroblastoma, susceptibility to, 3. Last evaluated: 2024-06-10. Review status: criteria provided, single submitter. Criteria: ACMG Guidelines, 2015. Collection method: clinical testing. Allele origin: germline.

GeneDx
Classification: Likely benign. Last evaluated: 2023-04-26. Review status: criteria provided, single submitter. Criteria: GeneDx Variant Classification Process June 2021. Collection method: clinical testing. Allele origin: germline. Affected: yes.
Comment: In silico analysis supports that this missense variant does not alter protein structure/function; Observed in an individual with a personal and/or family history of breast cancer (Jalkh et al., 2017); This variant is associated with the following publications: (PMID: 28202063)

Literature cited by the submitters: PubMed 28202063 (cited by Labcorp Genetics (formerly Invitae), Labcorp).

NM_004304.5(ALK):c.4211T>C (p.Leu1404Pro)

Gene: ALK (ALK receptor tyrosine kinase; minus strand). Cytogenetic location: 2p23.2.
Variant type: single nucleotide variant.
Coding change: c.4211T>C on transcript NM_004304.5 (MANE Select); coding-DNA position 4211, T replaced by C.
Protein change: p.Leu1404Pro; replaces leucine 1404 with proline.
Molecular consequence: missense variant.
Genome position (GRCh38, 1-based): chr2:29,193,876, A>G on the plus strand (T>C on the coding strand, the complement: ALK is on the minus strand). VCF-style: chr2-29193876-A-G. GRCh37 (hg19) VCF-style: chr2-29416742-A-G.
Other names: c.1007T>C, p.Leu336Pro (NM_001353765.2); short protein forms L1404P, L336P.
Identifiers: ClinVar variation 645717 (VCV000645717.13), dbSNP rs377129811, ClinGen allele CA1593621.